The following is an entry in ClinVar:

ClinVar aggregate classification (germline): Uncertain significance (1 of 4 stars; one submission).

Conditions:
Vici syndrome (VICIS). Identifiers: Orphanet 1493, MedGen C1855772, MONDO:0009452, OMIM 242840.

gnomAD v4.1: 4 of 1,613,270 alleles (0.00025%); highest among the groups gnomAD compares: Non-Finnish European, 0.00034%; no homozygotes.

Submission:

Labcorp Genetics (formerly Invitae), Labcorp
Classification: Uncertain significance for Vici syndrome. Last evaluated: 2025-02-04. Review status: criteria provided, single submitter. Criteria: Invitae Variant Classification Sherloc (09022015). Collection method: clinical testing. Allele origin: germline.
Comment: This sequence change replaces threonine, which is neutral and polar, with alanine, which is neutral and non-polar, at codon 1228 of the EPG5 protein (p.Thr1228Ala). This variant is not present in population databases (gnomAD no frequency). This variant has not been reported in the literature in individuals affected with EPG5-related conditions. Invitae Evidence Modeling of protein sequence and biophysical properties (such as structural, functional, and spatial information, amino acid conservation, physicochemical variation, residue mobility, and thermodynamic stability) indicates that this missense variant is not expected to disrupt EPG5 protein function with a negative predictive value of 80%. In summary, the available evidence is currently insufficient to determine the role of this variant in disease. Therefore, it has been classified as a Variant of Uncertain Significance.

NM_020964.3(EPG5):c.3682A>G (p.Thr1228Ala)

Gene: EPG5 (ectopic P-granules 5 autophagy tethering factor; minus strand). Cytogenetic location: 18q21.1.
Variant type: single nucleotide variant.
Coding change: c.3682A>G on transcript NM_020964.3 (MANE Select); coding-DNA position 3682, A replaced by G.
Protein change: p.Thr1228Ala; replaces threonine 1228 with alanine.
Molecular consequence: missense variant.
Genome position (GRCh38, 1-based): chr18:45,915,522, T>C on the plus strand (A>G on the coding strand, the complement: EPG5 is on the minus strand). VCF-style: chr18-45915522-T-C. GRCh37 (hg19) VCF-style: chr18-43495487-T-C.
Other names: c.3682A>G, p.Thr1228Ala (NM_001410858.1, NM_001410859.1); short protein forms T1228A.
Identifiers: ClinVar variation 3698934 (VCV003698934.2).